The following is an entry in ClinVar:

ClinVar aggregate classification (germline): Benign/Likely benign. Review status: criteria provided, multiple submitters, no conflicts (2 of 4 stars). 3 submissions from 3 submitters: Benign (1); Likely benign (2). Last evaluated 2026-01-13.

Conditions:
Hereditary diffuse gastric adenocarcinoma (HDGC). Also called: DIFFUSE GASTRIC AND LOBULAR BREAST CANCER SYNDROME. Identifiers: Orphanet 26106, MedGen C1708349, MONDO:0007648, OMIM 137215.
Hereditary cancer-predisposing syndrome. Also called: Hereditary Cancer Syndrome; Hereditary neoplastic syndrome; Neoplastic Syndromes, Hereditary; Tumor predisposition. Identifiers: Orphanet 140162, MedGen C0027672, MeSH D009386, MONDO:0015356.

Allele frequency attached by ClinVar (database versions not stated): gnomAD exomes below 0.00001; ExAC 0.00001.
gnomAD v4.1: 3 of 1,614,236 alleles (0.00019%); highest among the groups gnomAD compares: African/African-American, 0.0027%; no homozygotes.

Submissions (3):

Labcorp Genetics (formerly Invitae), Labcorp
Classification: Likely benign for Hereditary diffuse gastric adenocarcinoma. Last evaluated: 2026-01-13. Review status: criteria provided, single submitter. Criteria: Invitae Variant Classification Sherloc (09022015). Collection method: clinical testing. Allele origin: germline.

Myriad Genetics, Inc.
Classification: Benign for Hereditary diffuse gastric adenocarcinoma. Last evaluated: 2024-09-19. Review status: criteria provided, single submitter. Criteria: Myriad Autosomal Dominant, Autosomal Recessive and X-Linked Classification Criteria (2023). Collection method: clinical testing. Allele origin: unknown.
Comment: This variant is considered benign. This variant is a silent/synonymous amino acid change and it is not expected to impact splicing.

Ambry Genetics
Classification: Likely benign for Hereditary cancer-predisposing syndrome. Last evaluated: 2020-10-09. Review status: criteria provided, single submitter. Criteria: Ambry Variant Classification Scheme 2023. Collection method: clinical testing. Allele origin: germline.

NM_004360.5(CDH1):c.1494C>T (p.Asp498=)

Gene: CDH1 (cadherin 1; plus strand). Cytogenetic location: 16q22.1.
Variant type: single nucleotide variant.
Coding change: c.1494C>T on transcript NM_004360.5 (MANE Select); coding-DNA position 1494, C replaced by T.
Protein change: p.Asp498=; no amino-acid change (aspartic acid 498 retained).
Molecular consequence: synonymous variant. On other transcripts: 5 prime UTR variant (2).
Genome position (GRCh38, 1-based): chr16:68,815,688, C>T. VCF-style: chr16-68815688-C-T. GRCh37 (hg19) VCF-style: chr16-68849591-C-T.
Other names: c.1311C>T, p.Asp437= (NM_001317184.2); c.-55C>T (NM_001317185.2); c.-326C>T (NM_001317186.2).
Identifiers: ClinVar variation 1155708 (VCV001155708.12), dbSNP rs56836234, ClinGen allele CA8130083.